The following is an entry in ClinVar:

NM_080424.4(SP110):c.699del (p.Asp234fs)

Genes: SP140 (SP140 nuclear body protein; plus strand), SP110 (SP110 nuclear body protein; minus strand). Cytogenetic location: 2q37.1.
Variant type: Deletion.
Coding change: c.699del on transcript NM_080424.4 (MANE Select); coding-DNA position 699, one base deleted (A; older notation c.699delA).
Protein change: p.Asp234fs; shifts the reading frame from aspartic acid 234.
Molecular consequence: frameshift variant.
Genome position (GRCh38, 1-based): chr2:230,211,522, T deleted on the plus strand (A on the coding strand, the reverse complement: SP110 is on the minus strand). VCF-style (leftmost placement, unchanged base first): chr2-230211521-CT-C. GRCh37 (hg19) VCF-style: chr2-231076236-CT-C.
Other names: c.717del, p.Asp240fs (NM_001185015.2, NM_001378442.1, NM_001378444.1 and 2 more transcripts); c.699del, p.Asp234fs (NM_001378443.1, NM_001378447.1, NM_004509.5 and 1 more transcripts); short protein forms D234fs, D240fs.
Identifiers: ClinVar variation 1392592 (VCV001392592.6), dbSNP rs2148917380, ClinGen allele CA2573135500.

ClinVar aggregate classification (germline): Pathogenic (1 of 4 stars; one submission).

Conditions:
Hepatic veno-occlusive disease-immunodeficiency syndrome. Also called: Hepatic Veno-Occlusive Disease with Immunodeficiency. Identifiers: Orphanet 79124, MedGen C1856128, MONDO:0009338, OMIM 235550. Disease mechanism: loss of function.

Submission:

Labcorp Genetics (formerly Invitae), Labcorp
Classification: Pathogenic for Hepatic veno-occlusive disease-immunodeficiency syndrome. Last evaluated: 2024-12-09. Review status: criteria provided, single submitter. Criteria: Invitae Variant Classification Sherloc (09022015). Collection method: clinical testing. Allele origin: germline.
Comment: This sequence change creates a premature translational stop signal (p.Asp234Ilefs*19) in the SP110 gene. It is expected to result in an absent or disrupted protein product. Loss-of-function variants in SP110 are known to be pathogenic (PMID: 16648851, 22621957). This variant is not present in population databases (gnomAD no frequency). This variant has not been reported in the literature in individuals affected with SP110-related conditions. ClinVar contains an entry for this variant (Variation ID: 1392592). For these reasons, this variant has been classified as Pathogenic.

Literature cited by the submitters: PubMed 16648851; PubMed 22621957.